The following is an entry in ClinVar:

ClinVar aggregate classification (germline): Benign. Review status: criteria provided, multiple submitters, no conflicts (2 of 4 stars). 8 submissions from 8 submitters: Benign (5). 3 of the submissions do not count toward it. Last evaluated 2026-02-02.

Conditions:
Congenital lactic acidosis, Saguenay-Lac-Saint-Jean type (MC4DN5). Also called: CYTOCHROME c OXIDASE DEFICIENCY, FRENCH CANADIAN TYPE; COX DEFICIENCY, FRENCH CANADIAN TYPE; MITOCHONDRIAL COMPLEX IV DEFICIENCY, NUCLEAR TYPE 5. Identifiers: Orphanet 70472, MedGen C1857355, MONDO:0009069, OMIM 220111.

Allele frequency attached by ClinVar (database versions not stated): ESP Exome Variant Server 0.01099; TOPMed 0.01103; gnomAD 0.01150 and 0.01276; 1000 Genomes Project 0.01398; 1000 Genomes Project 30x 0.01452; gnomAD exomes 0.01731 and 0.02154; ExAC 0.02220.
gnomAD v4.1: 27,406 of 1,611,718 alleles (1.7%); highest among the groups gnomAD compares: South Asian, 7%; 482 homozygotes.

Submissions (8):

Labcorp Genetics (formerly Invitae), Labcorp
Classification: Benign. Last evaluated: 2026-02-02. Review status: criteria provided, single submitter. Criteria: Invitae Variant Classification Sherloc (09022015). Collection method: clinical testing. Allele origin: germline.

Genome-Nilou Lab
Classification: Benign for Congenital lactic acidosis, Saguenay-Lac-Saint-Jean type. Last evaluated: 2021-07-10. Review status: criteria provided, single submitter. Criteria: ACMG Guidelines, 2015. Collection method: clinical testing. Allele origin: germline. Affected: no.

Illumina Laboratory Services, Illumina
Classification: Benign for Congenital lactic acidosis, Saguenay-Lac-Saint-Jean type. Last evaluated: 2018-01-12. Review status: criteria provided, single submitter. Criteria: ICSL Variant Classification Criteria 13 December 2019. Collection method: clinical testing. Allele origin: germline.
Comment: This variant was observed in the ICSL laboratory as part of a predisposition screen in an ostensibly healthy population. It had not been previously curated by ICSL or reported in the Human Gene Mutation Database (HGMD: prior to June 1st, 2018), and was therefore a candidate for classification through an automated scoring system. Utilizing variant allele frequency, disease prevalence and penetrance estimates, and inheritance mode, an automated score was calculated to assess if this variant is too frequent to cause the disease. Based on the score and internal cut-off values, a variant classified as benign is not then subjected to further curation. The score for this variant resulted in a classification of benign for this disease.

GeneDx
Classification: Benign. Last evaluated: 2012-05-10. Review status: criteria provided, single submitter. Criteria: GeneDx Variant Classification (06012015). Collection method: clinical testing. Allele origin: germline. Affected: yes.
Comment: This variant is considered likely benign or benign based on one or more of the following criteria: it is a conservative change, it occurs at a poorly conserved position in the protein, it is predicted to be benign by multiple in silico algorithms, and/or has population frequency not consistent with disease.

Breakthrough Genomics
Classification: Benign. Review status: criteria provided, single submitter. Criteria: ACMG Guidelines, 2015. Collection method: not provided. Allele origin: germline. Inheritance: Autosomal recessive inheritance. Affected: yes.

Natera, Inc.
Classification: Benign for French-Canadian type Leigh syndrome. Last evaluated: 2020-09-16. Review status: no assertion criteria provided. Collection method: clinical testing. Allele origin: germline. Not counted in ClinVar's aggregate classification.

Mayo Clinic Laboratories, Mayo Clinic
Classification: Benign. Last evaluated: 2016-02-29. Review status: no assertion criteria provided. Collection method: clinical testing. Allele origin: unknown. Not counted in ClinVar's aggregate classification.

Genetic Services Laboratory, University of Chicago
Classification: Likely benign for AllHighlyPenetrant. Review status: no assertion criteria provided. Collection method: clinical testing. Allele origin: germline. Inheritance: Autosomal recessive inheritance. Not counted in ClinVar's aggregate classification.
Comment: Likely benign based on allele frequency in 1000 Genomes Project or ESP global frequency and its presence in a patient with a rare or unrelated disease phenotype. NOT Sanger confirmed.

NM_133259.4(LRPPRC):c.2562A>G (p.Val854=)

Gene: LRPPRC (leucine rich pentatricopeptide repeat containing; minus strand). Cytogenetic location: 2p21.
Variant type: single nucleotide variant.
Coding change: c.2562A>G on transcript NM_133259.4 (MANE Select); coding-DNA position 2562, A replaced by G.
Protein change: p.Val854=; no amino-acid change (valine 854 retained).
Molecular consequence: synonymous variant.
Genome position (GRCh38, 1-based): chr2:43,934,821, T>C on the plus strand (A>G on the coding strand, the complement: LRPPRC is on the minus strand). VCF-style: chr2-43934821-T-C. GRCh37 (hg19) VCF-style: chr2-44161960-T-C.
Other names: p.V854V:GTA>GTG.
Identifiers: ClinVar variation 129549 (VCV000129549.26), dbSNP rs4494798, ClinGen allele CA288951.